The following is an entry in ClinVar:

NM_006206.6(PDGFRA):c.868T>G (p.Cys290Gly)

Gene: PDGFRA (platelet derived growth factor receptor alpha; plus strand). Cytogenetic location: 4q12.
Variant type: single nucleotide variant.
Coding change: c.868T>G on transcript NM_006206.6 (MANE Select); coding-DNA position 868, T replaced by G.
Protein change: p.Cys290Gly; replaces cysteine 290 with glycine.
Molecular consequence: missense variant.
Genome position (GRCh38, 1-based): chr4:54,267,397, T>G. VCF-style: chr4-54267397-T-G. GRCh37 (hg19) VCF-style: chr4-55133564-T-G.
Other names: c.868T>G, p.Cys290Gly (NM_001347827.2, NM_001347829.2); c.943T>G, p.Cys315Gly (NM_001347828.2); c.907T>G, p.Cys303Gly (NM_001347830.2); short protein forms C315G, C303G, C290G.
Identifiers: ClinVar variation 1764322 (VCV001764322.2), dbSNP rs2475453767, ClinGen allele CA356891283.

ClinVar aggregate classification (germline): Uncertain significance (1 of 4 stars; one submission).

Conditions:
Hereditary cancer-predisposing syndrome. Also called: Neoplastic Syndromes, Hereditary; Tumor predisposition; Hereditary Cancer Syndrome; Hereditary neoplastic syndrome. Identifiers: Orphanet 140162, MedGen C0027672, MeSH D009386, MONDO:0015356.

Submission:

Ambry Genetics
Classification: Uncertain significance for Hereditary cancer-predisposing syndrome. Last evaluated: 2021-12-01. Review status: criteria provided, single submitter. Criteria: Ambry Variant Classification Scheme 2023. Collection method: clinical testing. Allele origin: germline.
Comment: The p.C290G variant (also known as c.868T>G), located in coding exon 5 of the PDGFRA gene, results from a T to G substitution at nucleotide position 868. The cysteine at codon 290 is replaced by glycine, an amino acid with highly dissimilar properties. This amino acid position is conserved. In addition, this alteration is predicted to be deleterious by in silico analysis. Since supporting evidence is limited at this time, the clinical significance of this alteration remains unclear.